The following is an entry in ClinVar:

ClinVar aggregate classification (germline): Benign. Review status: criteria provided, multiple submitters, no conflicts (2 of 4 stars). 3 submissions from 3 submitters: Benign (2). 1 of the submissions does not count toward it. Last evaluated 2018-06-27.

Conditions:
ATOH1-related disorder. Also called: ATOH1-related condition.

Allele frequency attached by ClinVar (database versions not stated): gnomAD 0.01571 and 0.01460; ESP Exome Variant Server 0.01623; 1000 Genomes Project 0.01478; TOPMed 0.01510; 1000 Genomes Project 30x 0.01546.

Submissions (3):

Labcorp Genetics (formerly Invitae), Labcorp
Classification: Benign. Last evaluated: 2018-06-27. Review status: criteria provided, single submitter. Criteria: Invitae Variant Classification Sherloc (09022015). Collection method: clinical testing. Allele origin: germline.

Breakthrough Genomics
Classification: Benign. Review status: criteria provided, single submitter. Criteria: ACMG Guidelines, 2015. Collection method: not provided. Allele origin: germline. Inheritance: Autosomal dominant inheritance. Affected: yes.

PreventionGenetics, part of Exact Sciences
Classification: Benign for ATOH1-related condition. Last evaluated: 2019-06-26. Review status: no assertion criteria provided. Collection method: clinical testing. Allele origin: germline. Not counted in ClinVar's aggregate classification.
Comment: This variant is classified as benign based on ACMG/AMP sequence variant interpretation guidelines (Richards et al. 2015 PMID: 25741868, with internal and published modifications).

NM_005172.2(ATOH1):c.414C>G (p.Asp138Glu)

Gene: ATOH1 (atonal bHLH transcription factor 1; plus strand). Cytogenetic location: 4q22.2.
Variant type: single nucleotide variant.
Coding change: c.414C>G on transcript NM_005172.2 (MANE Select); coding-DNA position 414, C replaced by G.
Protein change: p.Asp138Glu; replaces aspartic acid 138 with glutamic acid.
Molecular consequence: missense variant.
Genome position (GRCh38, 1-based): chr4:93,829,340, C>G. VCF-style: chr4-93829340-C-G. GRCh37 (hg19) VCF-style: chr4-94750491-C-G.
Other names: short protein forms D138E.
Identifiers: ClinVar variation 785105 (VCV000785105.6), dbSNP rs115524348, ClinGen allele CA3012743.